The following is an entry in ClinVar:

NM_000018.4(ACADVL):c.661A>G (p.Ser221Gly)

Gene: ACADVL (acyl-CoA dehydrogenase very long chain; plus strand). Cytogenetic location: 17p13.1.
Variant type: single nucleotide variant.
Coding change: c.661A>G on transcript NM_000018.4 (MANE Select); coding-DNA position 661, A replaced by G.
Protein change: p.Ser221Gly; replaces serine 221 with glycine.
Molecular consequence: missense variant.
Genome position (GRCh38, 1-based): chr17:7,221,990, A>G. VCF-style: chr17-7221990-A-G. GRCh37 (hg19) VCF-style: chr17-7125309-A-G.
Other names: c.661A>G (NM_000018.3); c.595A>G, p.Ser199Gly (NM_001033859.3); c.730A>G, p.Ser244Gly (NM_001270447.2); c.433A>G, p.Ser145Gly (NM_001270448.2); short protein forms S244G, S145G, S199G, S221G.
Identifiers: ClinVar variation 1429138 (VCV001429138.8), dbSNP rs767063791, ClinGen allele CA8337805.
Genomic context (GRCh38, chr17:7,221,990, plus strand): 5'-AAAGTAGCTCTCTCCCCAACAGGGGAGACTGTGGCCGCTTTCTGTCTAACCGAGCCCTCA[A>G]GCGGGTCAGATGCAGCCTCCATCCGAACCTCTGCTGTGCCCAGCCCCTGTGGAAAATACT-3'
Protein context (NP_000009.1, residues 211-231): VAAFCLTEPS[Ser221Gly]GSDAASIRTS

ClinVar aggregate classification (germline): Conflicting classifications of pathogenicity. Review status: criteria provided, conflicting classifications (1 of 4 stars). 3 submissions from 3 submitters: Pathogenic (1); Likely pathogenic (1); Uncertain significance (1). Last evaluated 2024-10-03.

Conditions:
ACADVL-related disorder. Also called: ACADVL-related condition.
Very long chain acyl-CoA dehydrogenase deficiency (ACADVLD). Also called: VLCAD Deficiency; Very Long-Chain Acyl-Coenzyme A Dehydrogenase Deficiency. Identifiers: Orphanet 26793, MedGen C3887523, MONDO:0008723, OMIM 201475.

Allele frequency attached by ClinVar (database versions not stated): gnomAD exomes below 0.00001; ExAC 0.00001; gnomAD 0.00001; TOPMed 0.00001.
gnomAD v4.1: 2 of 1,613,990 alleles (0.00012%); highest among the groups gnomAD compares: Non-Finnish European, 0.00017%; no homozygotes.

Submissions (3):

Labcorp Genetics (formerly Invitae), Labcorp
Classification: Pathogenic for Very long chain acyl-CoA dehydrogenase deficiency. Last evaluated: 2024-10-03. Review status: criteria provided, single submitter. Criteria: Invitae Variant Classification Sherloc (09022015). Collection method: clinical testing. Allele origin: germline.
Comment: This sequence change replaces serine, which is neutral and polar, with glycine, which is neutral and non-polar, at codon 221 of the ACADVL protein (p.Ser221Gly). This variant is present in population databases (rs767063791, gnomAD 0.006%). This missense change has been observed in individual(s) with very long chain acyl-CoA dehydrogenase (VLCAD) deficiency (PMID: 33986768; internal data). In at least one individual the data is consistent with being in trans (on the opposite chromosome) from a pathogenic variant. ClinVar contains an entry for this variant (Variation ID: 1429138). Invitae Evidence Modeling of protein sequence and biophysical properties (such as structural, functional, and spatial information, amino acid conservation, physicochemical variation, residue mobility, and thermodynamic stability) indicates that this missense variant is not expected to disrupt ACADVL protein function with a negative predictive value of 80%. For these reasons, this variant has been classified as Pathogenic.

Fulgent Genetics
Classification: Likely pathogenic for Very long chain acyl-CoA dehydrogenase deficiency. Last evaluated: 2024-04-11. Review status: criteria provided, single submitter. Criteria: ACMG Guidelines, 2015. Collection method: clinical testing. Allele origin: germline.

PreventionGenetics, part of Exact Sciences
Classification: Uncertain significance for ACADVL-related condition. Last evaluated: 2022-10-13. Review status: criteria provided, single submitter. Criteria: ACMG Guidelines, 2015. Collection method: clinical testing. Allele origin: germline.
Comment: The ACADVL c.661A>G variant is predicted to result in the amino acid substitution p.Ser221Gly. This variant was reported in the compound heterozygous state with a known pathogenic ACADVL variant in an individual with very long chain acyl-CoA dehydrogenase deficiency and reduced enzyme activity in lymphocytes (Remec et al. 2021. PubMed ID: 33986768). This variant is reported in 0.0054% of alleles in individuals of East Asian descent in gnomAD. Although we suspect that this variant may be pathogenic, at this time, the clinical significance of this variant is uncertain due to the absence of conclusive functional and genetic evidence.

Literature cited by the submitters: PubMed 33986768 (cited by Labcorp Genetics (formerly Invitae), Labcorp).